The following is an entry in ClinVar:

NM_024642.5(GALNT12):c.1459-3T>C

Gene: GALNT12 (polypeptide N-acetylgalactosaminyltransferase 12; plus strand). Cytogenetic location: 9q22.33.
Variant type: single nucleotide variant.
Coding change: c.1459-3T>C on transcript NM_024642.5 (MANE Select); 3 bases into the intron before coding-DNA position 1459, T replaced by C.
Molecular consequence: intron variant.
Genome position (GRCh38, 1-based): chr9:98,845,974, T>C. VCF-style: chr9-98845974-T-C. GRCh37 (hg19) VCF-style: chr9-101608256-T-C.
Identifiers: ClinVar variation 4875728 (VCV004875728.1).
Genomic context (GRCh38, chr9:98,845,974, plus strand): 5'-GATCTTTCCTCTTCCCACATCAGTGGAAAATGTTGTGTTACATGTTGGCTGCCCCATTTT[T>C]AGTTTTTCGAGTACACGTCCCAGAAAGAAATACGCTATAACACCCACCAGCCTGAGGGCT-3'

ClinVar aggregate classification (germline): Likely benign (1 of 4 stars; one submission).

Conditions:
Colorectal cancer, susceptibility to, 1. Also called: COLORECTAL ADENOMA AND CANCER, SUSCEPTIBILITY TO; COLORECTAL CANCER, SUSCEPTIBILITY TO, ON CHROMOSOME 9. Identifiers: MedGen C1837315, MONDO:0012132, OMIM 608812.

Submission:

Myriad Genetics, Inc.
Classification: Likely benign for Colorectal cancer, susceptibility to, 1. Last evaluated: 2026-04-22. Review status: criteria provided, single submitter. Criteria: Myriad Autosomal Dominant, Autosomal Recessive and X-Linked Classification Criteria (2023). Collection method: clinical testing. Allele origin: unknown.
Comment: This variant is considered likely benign. This variant is intronic and is not expected to impact mRNA splicing.